The following is an entry in ClinVar:

NM_001111.5(ADAR):c.3402T>A (p.Tyr1134Ter)

Gene: ADAR (adenosine deaminase RNA specific; minus strand). Cytogenetic location: 1q21.3.
Variant type: single nucleotide variant.
Coding change: c.3402T>A on transcript NM_001111.5 (MANE Select); coding-DNA position 3402, T replaced by A.
Protein change: p.Tyr1134Ter; replaces tyrosine 1134 with a stop codon.
Molecular consequence: nonsense.
Genome position (GRCh38, 1-based): chr1:154,585,258, A>T on the plus strand (T>A on the coding strand, the complement: ADAR is on the minus strand). VCF-style: chr1-154585258-A-T. GRCh37 (hg19) VCF-style: chr1-154557734-A-T.
Other names: c.2517T>A, p.Tyr839Ter (NM_001025107.3, NM_001193495.2, NM_001365046.1 and 2 more transcripts); c.3429T>A, p.Tyr1143Ter (NM_001365045.1); c.2439T>A, p.Tyr813Ter (NM_001365049.1); c.3324T>A, p.Tyr1108Ter (NM_015840.4); c.3267T>A, p.Tyr1089Ter (NM_015841.4); short protein forms Y1143*, Y813*, Y1089*, Y1108*, Y1134*, Y839*.
Identifiers: ClinVar variation 2023208 (VCV002023208.4), dbSNP rs2526449355, ClinGen allele CA342635042.

ClinVar aggregate classification (germline): Pathogenic (1 of 4 stars; one submission).

Conditions:
Aicardi-Goutieres syndrome 6 (AGS6). Identifiers: Orphanet 51, MedGen C3539013, MONDO:0014007, OMIM 615010.
Symmetrical dyschromatosis of extremities (DSH). Also called: DYSCHROMATOSIS SYMMETRICA HEREDITARIA 1; Dyschromatosis symmetrica hereditaria; RETICULATE ACROPIGMENTATION OF DOHI; SYMMETRIC DYSCHROMATOSIS OF THE EXTREMITIES. Identifiers: Orphanet 41, MedGen C0406775, MONDO:0007483, OMIM 127400.

Submission:

Labcorp Genetics (formerly Invitae), Labcorp
Classification: Pathogenic for Aicardi-Goutieres syndrome 6; Symmetrical dyschromatosis of extremities. Last evaluated: 2022-03-18. Review status: criteria provided, single submitter. Criteria: Invitae Variant Classification Sherloc (09022015). Collection method: clinical testing. Allele origin: germline.
Comment: This variant has not been reported in the literature in individuals affected with ADAR-related conditions. For these reasons, this variant has been classified as Pathogenic. This variant disrupts a region of the ADAR protein in which other variant(s) (p.Arg1155Trp) have been determined to be pathogenic (PMID: 15659327, 20186421, 24950769, 29896739). This suggests that this is a clinically significant region of the protein, and that variants that disrupt it are likely to be disease-causing. This variant is not present in population databases (gnomAD no frequency). This sequence change creates a premature translational stop signal (p.Tyr1134*) in the ADAR gene. While this is not anticipated to result in nonsense mediated decay, it is expected to disrupt the last 93 amino acid(s) of the ADAR protein.

Literature cited by the submitters: PubMed 15659327; PubMed 20186421; PubMed 24950769; PubMed 29896739.